The following is an entry in ClinVar:

NM_014822.4(SEC24D):c.778G>T (p.Asp260Tyr)

Gene: SEC24D (SEC24 homolog D, COPII component; minus strand). Cytogenetic location: 4q26.
Variant type: single nucleotide variant.
Coding change: c.778G>T on transcript NM_014822.4 (MANE Select); coding-DNA position 778, G replaced by T.
Protein change: p.Asp260Tyr; replaces aspartic acid 260 with tyrosine.
Molecular consequence: missense variant.
Genome position (GRCh38, 1-based): chr4:118,815,051, C>A on the plus strand (G>T on the coding strand, the complement: SEC24D is on the minus strand). VCF-style: chr4-118815051-C-A. GRCh37 (hg19) VCF-style: chr4-119736206-C-A.
Other names: c.778G>T (NM_014822.3); c.781G>T, p.Asp261Tyr (NM_001318066.2); short protein forms D261Y, D260Y.
Identifiers: ClinVar variation 1523005 (VCV001523005.8), dbSNP rs766955790, ClinGen allele CA3057449.

ClinVar aggregate classification (germline): Conflicting classifications of pathogenicity. Review status: criteria provided, conflicting classifications (1 of 4 stars). 2 submissions from 2 submitters: Uncertain significance (1); Likely benign (1). Last evaluated 2026-08-31.

Conditions:
SEC24D-related disorder. Also called: SEC24D-related condition.

Allele frequency attached by ClinVar (database versions not stated): TOPMed 0.00001; gnomAD 0.00008; gnomAD exomes 0.00010 and 0.00020; ExAC 0.00025.
gnomAD v4.1: 161 of 1,614,042 alleles (0.01%); highest among the groups gnomAD compares: South Asian, 0.17%; 2 homozygotes.

Submissions (2):

PreventionGenetics, part of Exact Sciences
Classification: Likely benign for SEC24D-related condition. Last evaluated: 2026-08-31. Review status: criteria provided, single submitter. Criteria: ACMG Guidelines, 2015. Collection method: clinical testing. Allele origin: germline.
Comment: This variant is classified as likely benign based on ACMG/AMP sequence variant interpretation guidelines (Richards et al. 2015 PMID: 25741868, with internal and published modifications).

Labcorp Genetics (formerly Invitae), Labcorp
Classification: Uncertain significance. Last evaluated: 2025-12-18. Review status: criteria provided, single submitter. Criteria: Invitae Variant Classification Sherloc (09022015). Collection method: clinical testing. Allele origin: germline.
Comment: This sequence change replaces aspartic acid, which is acidic and polar, with tyrosine, which is neutral and polar, at codon 260 of the SEC24D protein (p.Asp260Tyr). This variant is present in population databases (rs766955790, gnomAD 0.2%). This variant has not been reported in the literature in individuals affected with SEC24D-related conditions. ClinVar contains an entry for this variant (Variation ID: 1523005). An algorithm developed to predict the effect of missense changes on protein structure and function (PolyPhen-2) suggests that this variant is likely to be disruptive. In summary, the available evidence is currently insufficient to determine the role of this variant in disease. Therefore, it has been classified as a Variant of Uncertain Significance.